The following is an entry in ClinVar:

NM_198578.4(LRRK2):c.5535A>C (p.Gln1845His)

Gene: LRRK2 (leucine rich repeat kinase 2; plus strand). Cytogenetic location: 12q12.
Variant type: single nucleotide variant.
Coding change: c.5535A>C on transcript NM_198578.4 (MANE Select); coding-DNA position 5535, A replaced by C.
Protein change: p.Gln1845His; replaces glutamine 1845 with histidine.
Molecular consequence: missense variant.
Genome position (GRCh38, 1-based): chr12:40,323,185, A>C. VCF-style: chr12-40323185-A-C. GRCh37 (hg19) VCF-style: chr12-40716987-A-C.
Other names: short protein forms Q1845H.
Identifiers: ClinVar variation 1748160 (VCV001748160.2), dbSNP rs199888180, ClinGen allele CA384421001.

ClinVar aggregate classification (germline): Uncertain significance (1 of 4 stars; one submission).

Conditions:
Inborn genetic diseases. Identifiers: MedGen C0950123, MeSH D030342.

gnomAD v4.1: 3 of 1,613,208 alleles (0.00019%); highest among the groups gnomAD compares: South Asian, 0.0011%; no homozygotes.

Submission:

Ambry Genetics
Classification: Uncertain significance for Inborn genetic diseases. Last evaluated: 2024-02-22. Review status: criteria provided, single submitter. Criteria: Ambry Variant Classification Scheme 2023. Collection method: clinical testing. Allele origin: germline.
Comment: The p.Q1845H variant (also known as c.5535A>C), located in coding exon 38 of the LRRK2 gene, results from an A to C substitution at nucleotide position 5535. The glutamine at codon 1845 is replaced by histidine, an amino acid with highly similar properties. This amino acid position is conserved. In addition, this alteration is predicted to be tolerated by in silico analysis. Since supporting evidence is limited at this time, the clinical significance of this alteration remains unclear.